The following is an entry in ClinVar:

ClinVar aggregate classification (germline): Uncertain significance (1 of 4 stars; one submission).

Conditions:
Majeed syndrome (MJDS). Also called: CHRONIC RECURRENT MULTIFOCAL OSTEOMYELITIS 1, WITH CONGENITAL DYSERYTHROPOIETIC ANEMIA, WITH OR WITHOUT NEUTROPHILIC DERMATOSIS; LPIN2-Related Majeed Syndrome. Identifiers: Orphanet 77297, MedGen C1864997, MONDO:0012316, OMIM 609628.

Allele frequency attached by ClinVar (database versions not stated): gnomAD 0.00001; gnomAD exomes 0.00001; TOPMed 0.00001; ESP Exome Variant Server 0.00008.
gnomAD v4.1: 17 of 1,613,268 alleles (0.0011%); highest among the groups gnomAD compares: Non-Finnish European, 0.0014%; no homozygotes.

Submission:

Labcorp Genetics (formerly Invitae), Labcorp
Classification: Uncertain significance for Majeed syndrome. Last evaluated: 2021-06-17. Review status: criteria provided, single submitter. Criteria: Invitae Variant Classification Sherloc (09022015). Collection method: clinical testing. Allele origin: germline.
Comment: In summary, the available evidence is currently insufficient to determine the role of this variant in disease. Therefore, it has been classified as a Variant of Uncertain Significance. Algorithms developed to predict the effect of sequence changes on RNA splicing suggest that this variant may create or strengthen a splice site, but this prediction has not been confirmed by published transcriptional studies. Algorithms developed to predict the effect of missense changes on protein structure and function (SIFT, PolyPhen-2, Align-GVGD) all suggest that this variant is likely to be tolerated, but these predictions have not been confirmed by published functional studies and their clinical significance is uncertain. This variant has not been reported in the literature in individuals with LPIN2-related conditions. This variant is not present in population databases (ExAC no frequency). This sequence change replaces leucine with glutamine at codon 571 of the LPIN2 protein (p.Leu571Gln). The leucine residue is weakly conserved and there is a moderate physicochemical difference between leucine and glutamine.

NM_001375808.2(LPIN2):c.1712T>A (p.Leu571Gln)

Gene: LPIN2 (lipin 2; minus strand). Cytogenetic location: 18p11.31.
Variant type: single nucleotide variant.
Coding change: c.1712T>A on transcript NM_001375808.2 (MANE Select); coding-DNA position 1712, T replaced by A.
Protein change: p.Leu571Gln; replaces leucine 571 with glutamine.
Molecular consequence: missense variant.
Genome position (GRCh38, 1-based): chr18:2,926,804, A>T on the plus strand (T>A on the coding strand, the complement: LPIN2 is on the minus strand). VCF-style: chr18-2926804-A-T. GRCh37 (hg19) VCF-style: chr18-2926802-A-T.
Other names: c.1712T>A, p.Leu571Gln (NM_001375809.1, NM_014646.2); short protein forms L571Q.
Identifiers: ClinVar variation 1061095 (VCV001061095.8), dbSNP rs142392384, ClinGen allele CA295495853.
Genomic context (GRCh38, chr18:2,926,804, plus strand): 5'-GAGCTGGATGGCAGGTCACTGGCTGGCGGTGCCTCAGATTTTCCCTCCTTGGATTCTGGC[A>T]GCTGTAACAGCAAGATGATAATGGCAACATGCAATTTTTTCCCTACAGATAAGCCAAGTT-3'
Protein context (NP_001362737.1, residues 561-581): WRKRESMTKQ[Leu571Gln]PESKEGKSEA